The following is an entry in ClinVar:

ClinVar aggregate classification (germline): Uncertain significance (0 of 4 stars; one submission).

Conditions:
ALMS1-related disorder. Also called: ALMS1-related condition.

gnomAD v4.1: 3 of 1,612,072 alleles (0.00019%); highest among the groups gnomAD compares: Admixed American, 0.0033%; no homozygotes.

Submission:

PreventionGenetics, part of Exact Sciences
Classification: Uncertain significance for ALMS1-related condition. Last evaluated: 2024-08-06. Review status: no assertion criteria provided. Collection method: clinical testing. Allele origin: germline.
Comment: The ALMS1 c.1345A>G variant is predicted to result in the amino acid substitution p.Arg449Gly. To our knowledge, this variant has not been reported in the literature. This variant is reported in 0.00088% of alleles in individuals of European (Non-Finnish) descent in gnomAD. At this time, the clinical significance of this variant is uncertain due to the absence of conclusive functional and genetic evidence.

NM_001378454.1(ALMS1):c.1342A>G (p.Thr448Ala)

Gene: ALMS1 (ALMS1 centrosome and basal body associated protein; plus strand). Cytogenetic location: 2p13.1.
Variant type: single nucleotide variant.
Coding change: c.1342A>G on transcript NM_001378454.1 (MANE Select); coding-DNA position 1342, A replaced by G.
Protein change: p.Thr448Ala; replaces threonine 448 with alanine.
Molecular consequence: missense variant.
Genome position (GRCh38, 1-based): chr2:73,432,201, A>G. VCF-style: chr2-73432201-A-G. GRCh37 (hg19) VCF-style: chr2-73659329-A-G.
Other names: c.1345A>G, p.Thr449Ala (NM_015120.4); short protein forms T448A, T449A.
Identifiers: ClinVar variation 3352757 (VCV003352757.1).
Genomic context (GRCh38, chr2:73,432,201, plus strand): 5'-AATCTGGGCATTAATGAGTCTTTTTCATTTTTATTGCCTTCATTTGTTCCACATAAGCCA[A>G]CAAGAGAGTCGGAATATCACTCTTCAGATCTCAGAATGTTGAGGATGTCTCCTGACACTG-3'
Protein context (NP_001365383.1, residues 438-458): ERVAELQRKP[Thr448Ala]RESEYHSSDL